The following is an entry in ClinVar:

ClinVar aggregate classification (germline): Benign/Likely benign. Review status: criteria provided, multiple submitters, no conflicts (2 of 4 stars). 7 submissions from 7 submitters: Benign (2); Likely benign (5). Last evaluated 2026-07-19.

Conditions:
FGD4-related disorder. Also called: FGD4-related condition.
Inborn genetic diseases. Identifiers: MedGen C0950123, MeSH D030342.
Charcot-Marie-Tooth disease type 4. Also called: Charcot-Marie-Tooth disease, type IV; Charcot-Marie-Tooth, Type 4. Identifiers: Orphanet 64749, MedGen C4082197, MONDO:0018995.
Charcot-Marie-Tooth disease. Also called: Charcot-Marie-Tooth Neuropathy; Charcot-Marie-Tooth Hereditary Neuropathy. Identifiers: Orphanet 166, MedGen C0007959, MONDO:0015626.

Allele frequency attached by ClinVar (database versions not stated): TOPMed 0.00002; gnomAD 0.00011; gnomAD exomes 0.00025 and 0.00050; 1000 Genomes Project 30x 0.00031; 1000 Genomes Project 0.00040; ExAC 0.00051.
gnomAD v4.1: 383 of 1,613,760 alleles (0.024%); highest among the groups gnomAD compares: South Asian, 0.4%; 8 homozygotes.

Submissions (7):

PreventionGenetics, part of Exact Sciences
Classification: Likely benign for FGD4-related condition. Last evaluated: 2026-07-19. Review status: criteria provided, single submitter. Criteria: ACMG Guidelines, 2015. Collection method: clinical testing. Allele origin: germline.
Comment: This variant is classified as likely benign based on ACMG/AMP sequence variant interpretation guidelines (Richards et al. 2015 PMID: 25741868, with internal and published modifications).

Women's Health and Genetics/Laboratory Corporation of America, LabCorp
Classification: Likely benign. Last evaluated: 2025-11-25. Review status: criteria provided, single submitter. Criteria: LabCorp Variant Classification Summary - May 2015. Collection method: clinical testing. Allele origin: germline.
Comment: Variant summary: FGD4 c.664G>A (p.Val222Ile) results in a conservative amino acid change in the encoded protein sequence. Algorithms developed to predict the effect of missense changes on protein structure and function are either unavailable or do not agree on the potential impact of this missense change. The variant allele was found at a frequency of 0.0005 in 251088 control chromosomes, predominantly at a frequency of 0.0041 within the South Asian subpopulation in the gnomAD database, including 2 homozygotes. The observed variant frequency within South Asian control individuals in the gnomAD database exceeds the estimated maximal expected allele frequency for disease-causing variants in FGD4. c.664G>A has been observed in individual(s) affected with Charcot-Marie-Tooth disease type 4H without strong evidence for causality (Antoniadi_2015). These report(s) do not provide unequivocal conclusions about association of the variant with Charcot-Marie-Tooth disease type 4H. To our knowledge, no experimental evidence demonstrating an impact on protein function has been reported. The following publication has been ascertained in the context of this evaluation (PMID: 26392352). ClinVar contains an entry for this variant (Variation ID: 1165902). Based on the evidence outlined above, the variant was classified as likely benign.

Labcorp Genetics (formerly Invitae), Labcorp
Classification: Benign for Charcot-Marie-Tooth disease type 4. Last evaluated: 2024-07-13. Review status: criteria provided, single submitter. Criteria: Invitae Variant Classification Sherloc (09022015). Collection method: clinical testing. Allele origin: germline.

Mayo Clinic Laboratories, Mayo Clinic
Classification: Benign. Last evaluated: 2023-09-06. Review status: criteria provided, single submitter. Criteria: ACMG Guidelines, 2015. Collection method: clinical testing. Allele origin: germline. Observed: 2 variant alleles.
Comment: BS1, BS2

Athena Diagnostics
Classification: Likely benign. Last evaluated: 2020-11-16. Review status: criteria provided, single submitter. Criteria: Athena Diagnostics criteria. Collection method: clinical testing. Allele origin: unknown.

Department of Pathology and Laboratory Medicine, Sinai Health System
Classification: Likely benign for Charcot-Marie-Tooth disease. Last evaluated: 2020-06-09. Review status: criteria provided, single submitter. Criteria: ACMG Guidelines, 2015. Collection method: research. Allele origin: germline.

Ambry Genetics
Classification: Likely benign for Inborn genetic diseases. Last evaluated: 2019-11-20. Review status: criteria provided, single submitter. Criteria: Ambry Variant Classification Scheme 2023. Collection method: clinical testing. Allele origin: germline.

Literature cited by the submitters: PubMed 26392352 (cited by Women's Health and Genetics/Laboratory Corporation of America, LabCorp).

NM_001370298.3(FGD4):c.1075G>A (p.Val359Ile)

Gene: FGD4 (FYVE, RhoGEF and PH domain containing 4; plus strand). Cytogenetic location: 12p11.21.
Variant type: single nucleotide variant.
Coding change: c.1075G>A on transcript NM_001370298.3 (MANE Select); coding-DNA position 1075, G replaced by A.
Protein change: p.Val359Ile; replaces valine 359 with isoleucine.
Molecular consequence: missense variant. On other transcripts: 5 prime UTR variant (2).
Genome position (GRCh38, 1-based): chr12:32,598,560, G>A. VCF-style: chr12-32598560-G-A. GRCh37 (hg19) VCF-style: chr12-32751494-G-A.
Other names: p.Val222Ile; c.919G>A, p.Val307Ile (NM_001304481.2); c.-181G>A (NM_001304483.2); c.-488G>A (NM_001304484.2); c.385G>A, p.Val129Ile (NM_001330373.2, NM_001330374.2, NM_001384130.1); c.112G>A, p.Val38Ile (NM_001370297.1); c.1075G>A, p.Val359Ile (NM_001384126.1); c.664G>A, p.Val222Ile (NM_001384127.1, NM_001384128.1, NM_001385118.1 and 1 more transcripts); short protein forms V129I, V222I, V307I, V359I, V38I.
Identifiers: ClinVar variation 1165902 (VCV001165902.16), dbSNP rs528790143, ClinGen allele CA6506686.